The following is an entry in ClinVar:

ClinVar aggregate classification (germline): Uncertain significance (1 of 4 stars; one submission).

Submission:

Labcorp Genetics (formerly Invitae), Labcorp
Classification: Uncertain significance. Last evaluated: 2022-08-23. Review status: criteria provided, single submitter. Criteria: Invitae Variant Classification Sherloc (09022015). Collection method: clinical testing. Allele origin: germline.
Comment: In summary, the available evidence is currently insufficient to determine the role of this variant in disease. Therefore, it has been classified as a Variant of Uncertain Significance. Algorithms developed to predict the effect of missense changes on protein structure and function (SIFT, PolyPhen-2, Align-GVGD) all suggest that this variant is likely to be tolerated. This variant has not been reported in the literature in individuals affected with DARS2-related conditions. This variant is not present in population databases (gnomAD no frequency). This sequence change replaces lysine, which is basic and polar, with glutamine, which is neutral and polar, at codon 154 of the DARS2 protein (p.Lys154Gln).

NM_018122.5(DARS2):c.460A>C (p.Lys154Gln)

Gene: DARS2 (aspartyl-tRNA synthetase 2, mitochondrial; plus strand). Cytogenetic location: 1q25.1.
Variant type: single nucleotide variant.
Coding change: c.460A>C on transcript NM_018122.5 (MANE Select); coding-DNA position 460, A replaced by C.
Protein change: p.Lys154Gln; replaces lysine 154 with glutamine.
Molecular consequence: missense variant.
Genome position (GRCh38, 1-based): chr1:173,831,598, A>C. VCF-style: chr1-173831598-A-C. GRCh37 (hg19) VCF-style: chr1-173800736-A-C.
Other names: c.460A>C, p.Lys154Gln (NM_001365212.1, NM_001365213.2); short protein forms K154Q.
Identifiers: ClinVar variation 2197221 (VCV002197221.4), dbSNP rs2525849455, ClinGen allele CA343759275.
Genomic context (GRCh38, chr1:173,831,598, plus strand): 5'-ATGCCAACAGGTGAGATTGAAATCAAAGTTAAAACAGCTGAGCTTCTGAATGCCTGCAAG[A>C]AGCTGCCCTTTGAAATTAAGAACTTCGTGAAGGTACCAACCTCTGTTATTAATAAAATAG-3'
Protein context (NP_060592.2, residues 144-164): KTAELLNACK[Lys154Gln]LPFEIKNFVK